The following is an entry in ClinVar:

NM_020791.4(TAOK1):c.2669T>C (p.Met890Thr)

Gene: TAOK1 (TAO kinase 1; plus strand). Cytogenetic location: 17q11.2.
Variant type: single nucleotide variant.
Coding change: c.2669T>C on transcript NM_020791.4 (MANE Select); coding-DNA position 2669, T replaced by C.
Protein change: p.Met890Thr; replaces methionine 890 with threonine.
Molecular consequence: missense variant.
Genome position (GRCh38, 1-based): chr17:29,542,685, T>C. VCF-style: chr17-29542685-T-C. GRCh37 (hg19) VCF-style: chr17-27869703-T-C.
Other names: c.2225T>C, p.Met742Thr (NM_025142.1); short protein forms M742T, M890T.
Identifiers: ClinVar variation 3360719 (VCV003360719.1).

ClinVar aggregate classification (germline): Uncertain significance (1 of 4 stars; one submission).

Submission:

GeneDx
Classification: Uncertain significance. Last evaluated: 2023-07-05. Review status: criteria provided, single submitter. Criteria: GeneDx Variant Classification Process June 2021. Collection method: clinical testing. Allele origin: germline. Affected: yes.
Comment: Not observed at significant frequency in large population cohorts (gnomAD); In silico analysis supports that this missense variant has a deleterious effect on protein structure/function; Has not been previously published as pathogenic or benign to our knowledge